The following is an entry in ClinVar:

ClinVar aggregate classification (germline): Likely benign (0 of 4 stars; one submission).

Conditions:
TNRC6B-related disorder. Also called: TNRC6B-related condition.

Allele frequency attached by ClinVar (database versions not stated): gnomAD exomes below 0.00001.
gnomAD v4.1: 2 of 1,613,978 alleles (0.00012%); highest among the groups gnomAD compares: Admixed American, 0.0033%; no homozygotes.

Submission:

PreventionGenetics, part of Exact Sciences
Classification: Likely benign for TNRC6B-related condition. Last evaluated: 2020-01-13. Review status: no assertion criteria provided. Collection method: clinical testing. Allele origin: germline.
Comment: This variant is classified as likely benign based on ACMG/AMP sequence variant interpretation guidelines (Richards et al. 2015 PMID: 25741868, with internal and published modifications).

NM_001162501.2(TNRC6B):c.1230T>G (p.Pro410=)

Gene: TNRC6B (trinucleotide repeat containing adaptor 6B; plus strand). Cytogenetic location: 22q13.1.
Variant type: single nucleotide variant.
Coding change: c.1230T>G on transcript NM_001162501.2 (MANE Select); coding-DNA position 1230, T replaced by G.
Protein change: p.Pro410=; no amino-acid change (proline 410 retained).
Molecular consequence: synonymous variant. On other transcripts: intron variant (1).
Genome position (GRCh38, 1-based): chr22:40,265,460, T>G. VCF-style: chr22-40265460-T-G. GRCh37 (hg19) VCF-style: chr22-40661464-T-G.
Other names: c.1230T>G, p.Pro410= (NM_015088.3); c.565+3287T>G (NM_001024843.2).
Identifiers: ClinVar variation 3051310 (VCV003051310.2), dbSNP rs1442058429, ClinGen allele CA514788571.
Genomic context (GRCh38, chr22:40,265,460, plus strand): 5'-GAATAAGGGAATGCCCTTTGGAATGGGCTTGGGGAACACCTCCAGGAGCACTGATGCCCC[T>G]TCACAAAGCACTGGAGATCGAAAGACTGGGAGTGTTGGATCTTGGGGTGCAGCTAGGGGG-3'
Protein context (NP_001155973.1, residues 400-420): LGNTSRSTDA[Pro410=]SQSTGDRKTG